The following is an entry in ClinVar:

NM_004563.4(PCK2):c.150C>T (p.His50=)

Genes: NRL (neural retina leucine zipper; minus strand), PCK2 (phosphoenolpyruvate carboxykinase 2, mitochondrial; plus strand). Cytogenetic location: 14q11.2.
Variant type: single nucleotide variant.
Coding change: c.150C>T on transcript NM_004563.4 (MANE Select); coding-DNA position 150, C replaced by T.
Protein change: p.His50=; no amino-acid change (histidine 50 retained).
Molecular consequence: synonymous variant. On other transcripts: 5 prime UTR variant (1), intron variant (4).
Genome position (GRCh38, 1-based): chr14:24,097,012, C>T. VCF-style: chr14-24097012-C-T. GRCh37 (hg19) VCF-style: chr14-24566221-C-T.
Other names: c.150C>T, p.His50= (NM_001018073.3); c.-253C>T (NM_001308054.2); c.-27-14137G>A (NM_001354768.3, NM_001354770.2); c.-253-12267G>A (NM_006177.5); c.-127-1191C>T (NM_001291556.2).
Identifiers: ClinVar variation 1634621 (VCV001634621.32), dbSNP rs754970464, ClinGen allele CA7123028.

ClinVar aggregate classification (germline): Likely benign. Review status: criteria provided, multiple submitters, no conflicts (2 of 4 stars). 2 submissions from 2 submitters: Likely benign (2). Last evaluated 2025-11-10.

Allele frequency attached by ClinVar (database versions not stated): gnomAD 0.00001 and 0.00003; TOPMed 0.00002; gnomAD exomes 0.00008 and 0.00012; ExAC 0.00015.
gnomAD v4.1: 119 of 1,613,660 alleles (0.0074%); highest among the groups gnomAD compares: South Asian, 0.076%; no homozygotes.

Submissions (2):

Labcorp Genetics (formerly Invitae), Labcorp
Classification: Likely benign. Last evaluated: 2025-11-10. Review status: criteria provided, single submitter. Criteria: Invitae Variant Classification Sherloc (09022015). Collection method: clinical testing. Allele origin: germline.

CeGaT Center for Human Genetics Tuebingen
Classification: Likely benign. Last evaluated: 2024-12-01. Review status: criteria provided, single submitter. Criteria: CeGaT Center For Human Genetics Tuebingen Variant Classification Criteria Version 2. Collection method: clinical testing. Allele origin: germline. Affected: yes. Observed: 2 variant alleles.
Comment: PCK2: BP4, BP7